The following is an entry in ClinVar:

ClinVar aggregate classification (germline): Uncertain significance (1 of 4 stars; one submission).

Conditions:
Growth hormone insensitivity with immune dysregulation 1, autosomal recessive. Also called: GROWTH HORMONE INSENSITIVITY DUE TO POSTRECEPTOR DEFECT; GROWTH HORMONE INSENSITIVITY SYNDROME WITH IMMUNE DYSREGULATION 1, AUTOSOMAL RECESSIVE; LARON SYNDROME DUE TO POSTRECEPTOR DEFECT; Laron syndrome with immunodeficiency. Identifiers: Orphanet 220465, MedGen C5435698, MONDO:0100211, OMIM 245590.

Submission:

Labcorp Genetics (formerly Invitae), Labcorp
Classification: Uncertain significance for Growth hormone insensitivity with immune dysregulation 1, autosomal recessive. Last evaluated: 2022-05-17. Review status: criteria provided, single submitter. Criteria: Invitae Variant Classification Sherloc (09022015). Collection method: clinical testing. Allele origin: germline.
Comment: In summary, the available evidence is currently insufficient to determine the role of this variant in disease. Therefore, it has been classified as a Variant of Uncertain Significance. Algorithms developed to predict the effect of missense changes on protein structure and function are either unavailable or do not agree on the potential impact of this missense change (SIFT: "Deleterious"; PolyPhen-2: "Benign"; Align-GVGD: "Class C25"). This sequence change replaces isoleucine, which is neutral and non-polar, with threonine, which is neutral and polar, at codon 608 of the STAT5B protein (p.Ile608Thr). This variant is not present in population databases (gnomAD no frequency). This variant has not been reported in the literature in individuals affected with STAT5B-related conditions.

NM_012448.4(STAT5B):c.1823T>C (p.Ile608Thr)

Gene: STAT5B (signal transducer and activator of transcription 5B; minus strand). Cytogenetic location: 17q21.2.
Variant type: single nucleotide variant.
Coding change: c.1823T>C on transcript NM_012448.4 (MANE Select); coding-DNA position 1823, T replaced by C.
Protein change: p.Ile608Thr; replaces isoleucine 608 with threonine.
Molecular consequence: missense variant.
Genome position (GRCh38, 1-based): chr17:42,210,254, A>G on the plus strand (T>C on the coding strand, the complement: STAT5B is on the minus strand). VCF-style: chr17-42210254-A-G. GRCh37 (hg19) VCF-style: chr17-40362272-A-G.
Other names: short protein forms I608T.
Identifiers: ClinVar variation 1969217 (VCV001969217.5), dbSNP rs2080117626, ClinGen allele CA399576941.